The following is an entry in ClinVar:

NM_024426.6(WT1):c.752A>G (p.His251Arg)

Gene: WT1 (WT1 transcription factor; minus strand). Cytogenetic location: 11p13.
Variant type: single nucleotide variant.
Coding change: c.752A>G on transcript NM_024426.6 (MANE Select); coding-DNA position 752, A replaced by G.
Protein change: p.His251Arg; replaces histidine 251 with arginine.
Molecular consequence: missense variant. On other transcripts: non-coding transcript variant (1).
Genome position (GRCh38, 1-based): chr11:32,428,529, T>C on the plus strand (A>G on the coding strand, the complement: WT1 is on the minus strand). VCF-style: chr11-32428529-T-C. GRCh37 (hg19) VCF-style: chr11-32450075-T-C.
Other names: c.752A>G, p.His251Arg (NM_001407046.1, NM_001407048.1, NM_001407049.1 and 4 more transcripts); c.-11A>G (NM_001407051.1); c.737A>G, p.His246Arg (NM_024425.2); c.101A>G, p.His34Arg (NM_001198551.2, NM_001198552.2); short protein forms H251R, H34R, H246R.
Identifiers: ClinVar variation 854538 (VCV000854538.13), dbSNP rs914029023, ClinGen allele CA379963320.

ClinVar aggregate classification (germline): Uncertain significance. Review status: criteria provided, multiple submitters, no conflicts (2 of 4 stars). 3 submissions from 3 submitters: Uncertain significance (3). Last evaluated 2026-08-04.

Conditions:
Inborn genetic diseases. Identifiers: MedGen C0950123, MeSH D030342.
Wilms tumor 1 (WT1). Also called: Wilms tumor, somatic. Identifiers: Orphanet 654, MedGen CN033288, MONDO:0008679, OMIM 194070.
11p partial monosomy syndrome (WAGR). Also called: WAGR syndrome; CHROMOSOME 11p13 DELETION SYNDROME; WAGR Complex; WAGR Spectrum Disorder. Identifiers: Orphanet 893, MedGen C0206115, MONDO:0008681, OMIM 194072.
Frasier syndrome. Identifiers: Orphanet 347, MedGen C0950122, MeSH D052159, MONDO:0007635, OMIM 136680.
Drash syndrome (DDS). Also called: WILMS TUMOR AND PSEUDO- OR TRUE HERMAPHRODITISM; NEPHROPATHY, WILMS TUMOR, AND GENITAL ANOMALIES. Identifiers: Orphanet 220, MedGen C0950121, MONDO:0008682, OMIM 194080.

gnomAD v4.1: 1 of 1,614,152 alleles (0.000062%); highest among the groups gnomAD compares: Non-Finnish European, 0.000085%; no homozygotes.

Submissions (3):

Ambry Genetics
Classification: Uncertain significance for Inborn genetic diseases. Last evaluated: 2026-08-04. Review status: criteria provided, single submitter. Criteria: Ambry Variant Classification Scheme 2023. Collection method: clinical testing. Allele origin: germline.
Comment: The p.H246R variant (also known as c.737A>G), located in coding exon 2 of the WT1 gene, results from an A to G substitution at nucleotide position 737. The histidine at codon 246 is replaced by arginine, an amino acid with highly similar properties. This amino acid position is conserved. In addition, this alteration is predicted to be deleterious by in silico analysis. Based on the available evidence, the clinical significance of this variant remains unclear.

Labcorp Genetics (formerly Invitae), Labcorp
Classification: Uncertain significance for Wilms tumor 1; Drash syndrome; 11p partial monosomy syndrome; Frasier syndrome. Last evaluated: 2024-04-15. Review status: criteria provided, single submitter. Criteria: Invitae Variant Classification Sherloc (09022015). Collection method: clinical testing. Allele origin: germline.
Comment: This sequence change replaces histidine, which is basic and polar, with arginine, which is basic and polar, at codon 246 of the WT1 protein (p.His246Arg). This variant is not present in population databases (gnomAD no frequency). This variant has not been reported in the literature in individuals affected with WT1-related conditions. ClinVar contains an entry for this variant (Variation ID: 854538). Advanced modeling of protein sequence and biophysical properties (such as structural, functional, and spatial information, amino acid conservation, physicochemical variation, residue mobility, and thermodynamic stability) has been performed at Invitae for this missense variant, however the output from this modeling did not meet the statistical confidence thresholds required to predict the impact of this variant on WT1 protein function. In summary, the available evidence is currently insufficient to determine the role of this variant in disease. Therefore, it has been classified as a Variant of Uncertain Significance.

GeneDx
Classification: Uncertain significance. Last evaluated: 2019-10-24. Review status: criteria provided, single submitter. Criteria: GeneDx Variant Classification Process June 2021. Collection method: clinical testing. Allele origin: germline. Affected: yes.
Comment: Has not been previously published as pathogenic or benign to our knowledge; Not observed in large population cohorts (Lek 2016); In silico analysis, which includes protein predictors and evolutionary conservation, supports a deleterious effect